The following is an entry in ClinVar:

ClinVar aggregate classification (germline): Likely pathogenic (1 of 4 stars; one submission).

Submission:

Labcorp Genetics (formerly Invitae), Labcorp
Classification: Likely pathogenic. Last evaluated: 2019-11-20. Review status: criteria provided, single submitter. Criteria: Invitae Variant Classification Sherloc (09022015). Collection method: clinical testing. Allele origin: germline.
Comment: In summary, the currently available evidence indicates that the variant is pathogenic, but additional data are needed to prove that conclusively. Therefore, this variant has been classified as Likely Pathogenic. Donor and acceptor splice site variants typically lead to a loss of protein function (PMID: 16199547), and loss-of-function variants in PCDH15 are known to be pathogenic (PMID: 11398101, 11487575, 14570705). This sequence change affects a donor splice site in intron 18 of the PCDH15 gene. It is expected to disrupt RNA splicing and likely results in an absent or disrupted protein product. This variant is not present in population databases (ExAC no frequency). This variant has not been reported in the literature in individuals with PCDH15-related conditions. Algorithms developed to predict the effect of sequence changes on RNA splicing suggest that this variant may disrupt the consensus splice site, but this prediction has not been confirmed by published transcriptional studies.

Literature cited by the submitters: PubMed 16199547; PubMed 11398101; PubMed 11487575; PubMed 14570705.

NM_001384140.1(PCDH15):c.2220+1G>A

Gene: PCDH15 (protocadherin related 15; minus strand). Cytogenetic location: 10q21.1.
Variant type: single nucleotide variant.
Coding change: c.2220+1G>A on transcript NM_001384140.1 (MANE Select); the canonical splice donor site of the intron after coding-DNA position 2220, G replaced by A.
Molecular consequence: splice donor variant.
Genome position (GRCh38, 1-based): chr10:54,066,756, C>T on the plus strand (G>A on the coding strand, the complement: PCDH15 is on the minus strand). VCF-style: chr10-54066756-C-T. GRCh37 (hg19) VCF-style: chr10-55826516-C-T.
Other names: c.2109+1G>A (NM_001142767.2); c.2007+1G>A (NM_001142765.2); c.2220+1G>A (NM_001142766.2, NM_033056.4, NM_001142764.2 and 5 more transcripts); c.2235+1G>A (NM_001142763.2, NM_001142771.2); c.2241+1G>A (NM_001354411.2); c.2256+1G>A (NM_001142769.3); c.2154+1G>A (NM_001354404.2, NM_001142773.2, NM_001142768.2).
Identifiers: ClinVar variation 837040 (VCV000837040.8), dbSNP rs2094143468, ClinGen allele CA376516551.
Genomic context (GRCh38, chr10:54,066,756, plus strand): 5'-TGTAATAAACTTACACTCTTTGAAAAACTACATATAAGATCTATATAAATATTCCACTTA[C>T]TTTTACTTGACCCACAAAGGCATTGGCTTCTTCTTCCACCACAGATAAATTTCTTGGCAG-3'